The following is an entry in ClinVar:

NM_145177.3(DHRSX):c.625G>T (p.Ala209Ser)

Gene: DHRSX (dehydrogenase/reductase X-linked; minus strand). Cytogenetic location: Xp22.33.
Variant type: single nucleotide variant.
Coding change: c.625G>T on transcript NM_145177.3 (MANE Select); coding-DNA position 625, G replaced by T.
Protein change: p.Ala209Ser; replaces alanine 209 with serine.
Molecular consequence: missense variant.
Genome position (GRCh38, 1-based): chrX:2,243,202, C>A on the plus strand (G>T on the coding strand, the complement: DHRSX is on the minus strand). VCF-style: chrX-2243202-C-A. GRCh37 (hg19) VCF-style: chrX-2161243-C-A.
Other names: short protein forms A209S.
Identifiers: ClinVar variation 4873198 (VCV004873198.2).

ClinVar aggregate classification (germline): Likely benign (1 of 4 stars; one submission).

gnomAD v4.1: 55 of 1,613,664 alleles (0.0034%); highest among the groups gnomAD compares: South Asian, 0.0055%; no homozygotes.

Submission:

CeGaT Center for Human Genetics Tuebingen
Classification: Likely benign. Last evaluated: 2026-06-01. Review status: criteria provided, single submitter. Criteria: CeGaT Center For Human Genetics Tuebingen Variant Classification Criteria Version 2. Collection method: clinical testing. Allele origin: germline. Affected: yes. Observed: 1 variant allele.
Comment: DHRSX: BS2